The following is an entry in ClinVar:

NC_000023.11:g.(?_31496768)_(31679606_?)del

Gene: DMD (dystrophin; minus strand). Cytogenetic location: Xp21.2-21.1.
Variant type: Deletion.
Identifiers: ClinVar variation 660696 (VCV000660696.7).

ClinVar aggregate classification (germline): Pathogenic (1 of 4 stars; one submission).

Conditions:
Duchenne muscular dystrophy (DMD). Also called: MUSCULAR DYSTROPHY, PSEUDOHYPERTROPHIC PROGRESSIVE, DUCHENNE TYPE; Duchenne Muscular Dystrophy (DMD). Identifiers: Orphanet 98896, MedGen C0013264, MONDO:0010679, OMIM 310200.

Submission:

Labcorp Genetics (formerly Invitae), Labcorp
Classification: Pathogenic for Duchenne muscular dystrophy. Last evaluated: 2021-08-12. Review status: criteria provided, single submitter. Criteria: Invitae Variant Classification Sherloc (09022015). Collection method: clinical testing. Allele origin: germline.
Comment: This variant is a gross deletion of the genomic region encompassing exon(s) 53-57 of the DMD gene. This deletion is out-of-frame, and is expected to create a premature termination codon and result in an absent or disrupted protein product. Loss-of-function variants in DMD are known to be pathogenic (PMID: 16770791, 25007885). A similar copy number variant has been observed in individual(s) with Duchenne muscular dystrophy (PMID: 21515508). For these reasons, this variant has been classified as Pathogenic.

Literature cited by the submitters: PubMed 16770791; PubMed 25007885; PubMed 21515508.